The following is an entry in ClinVar:

ClinVar aggregate classification (germline): Conflicting classifications of pathogenicity. Review status: criteria provided, conflicting classifications (1 of 4 stars). 2 submissions from 2 submitters: Uncertain significance (1); Likely benign (1). Last evaluated 2024-10-12.

Conditions:
Chédiak-Higashi syndrome (CHS). Also called: Chediak-Higashi Syndrome. Identifiers: Orphanet 167, MedGen C0007965, MONDO:0008963, OMIM 214500.
Inborn genetic diseases. Identifiers: MedGen C0950123, MeSH D030342.

gnomAD v4.1: 23 of 1,613,846 alleles (0.0014%); highest among the groups gnomAD compares: Middle Eastern, 0.033%; no homozygotes.

Submissions (2):

Ambry Genetics
Classification: Likely benign for Inborn genetic diseases. Last evaluated: 2024-10-12. Review status: criteria provided, single submitter. Criteria: Ambry Variant Classification Scheme 2023. Collection method: clinical testing. Allele origin: germline.

Labcorp Genetics (formerly Invitae), Labcorp
Classification: Uncertain significance for Chédiak-Higashi syndrome. Last evaluated: 2022-03-25. Review status: criteria provided, single submitter. Criteria: Invitae Variant Classification Sherloc (09022015). Collection method: clinical testing. Allele origin: germline.
Comment: This sequence change replaces arginine, which is basic and polar, with glutamine, which is neutral and polar, at codon 309 of the LYST protein (p.Arg309Gln). This variant is present in population databases (rs375332299, gnomAD 0.006%). This variant has not been reported in the literature in individuals affected with LYST-related conditions. ClinVar contains an entry for this variant (Variation ID: 1022205). Algorithms developed to predict the effect of missense changes on protein structure and function output the following: SIFT: "Tolerated"; PolyPhen-2: "Benign"; Align-GVGD: "Class C0". The glutamine amino acid residue is found in multiple mammalian species, which suggests that this missense change does not adversely affect protein function. In summary, the available evidence is currently insufficient to determine the role of this variant in disease. Therefore, it has been classified as a Variant of Uncertain Significance.

NM_000081.4(LYST):c.926G>A (p.Arg309Gln)

Gene: LYST (lysosomal trafficking regulator; minus strand). Cytogenetic location: 1q42.3.
Variant type: single nucleotide variant.
Coding change: c.926G>A on transcript NM_000081.4 (MANE Select); coding-DNA position 926, G replaced by A.
Protein change: p.Arg309Gln; replaces arginine 309 with glutamine.
Molecular consequence: missense variant.
Genome position (GRCh38, 1-based): chr1:235,809,892, C>T on the plus strand (G>A on the coding strand, the complement: LYST is on the minus strand). VCF-style: chr1-235809892-C-T. GRCh37 (hg19) VCF-style: chr1-235973192-C-T.
Other names: c.926G>A, p.Arg309Gln (NM_001301365.1); c.926G>A (NM_000081.2); short protein forms R309Q.
Identifiers: ClinVar variation 1022205 (VCV001022205.7), dbSNP rs375332299, ClinGen allele CA1467537.